The following is an entry in ClinVar:

NM_001385125.1(OPN1SW):c.806T>G (p.Met269Arg)

Gene: OPN1SW (opsin 1, short wave sensitive; minus strand). Cytogenetic location: 7q32.1.
Variant type: single nucleotide variant.
Coding change: c.806T>G on transcript NM_001385125.1 (MANE Select); coding-DNA position 806, T replaced by G.
Protein change: p.Met269Arg; replaces methionine 269 with arginine.
Molecular consequence: missense variant.
Genome position (GRCh38, 1-based): chr7:128,773,761, A>C on the plus strand (T>G on the coding strand, the complement: OPN1SW is on the minus strand). VCF-style: chr7-128773761-A-C. GRCh37 (hg19) VCF-style: chr7-128413815-A-C.
Other names: short protein forms M269R.
Identifiers: ClinVar variation 1363548 (VCV001363548.8), dbSNP rs776523473, ClinGen allele CA369217779.
Genomic context (GRCh38, chr7:128,773,761, plus strand): 5'-GAGAAGAATGAAGGAATGGTGACAAGCCGTAAGTCCAGCCCATGGTTACGGTTGTTGACC[A>C]TGTACATGGCGAAGGCCGCGTAGGGCACGTAGCAGACACAGAAGGATCCTACCATCACAA-3'
Protein context (NP_001372054.1, residues 259-279): YVPYAAFAMY[Met269Arg]VNNRNHGLDL

ClinVar aggregate classification (germline): Uncertain significance (1 of 4 stars; one submission).

Submission:

Labcorp Genetics (formerly Invitae), Labcorp
Classification: Uncertain significance. Last evaluated: 2022-02-10. Review status: criteria provided, single submitter. Criteria: Invitae Variant Classification Sherloc (09022015). Collection method: clinical testing. Allele origin: germline.
Comment: In summary, the available evidence is currently insufficient to determine the role of this variant in disease. Therefore, it has been classified as a Variant of Uncertain Significance. Algorithms developed to predict the effect of sequence changes on RNA splicing suggest that this variant may create or strengthen a splice site. Algorithms developed to predict the effect of missense changes on protein structure and function (SIFT, PolyPhen-2, Align-GVGD) all suggest that this variant is likely to be disruptive. This variant has not been reported in the literature in individuals affected with OPN1SW-related conditions. This variant is not present in population databases (gnomAD no frequency). This sequence change replaces methionine, which is neutral and non-polar, with arginine, which is basic and polar, at codon 272 of the OPN1SW protein (p.Met272Arg).